The following is an entry in ClinVar:

NM_006231.4(POLE):c.1330A>C (p.Met444Leu)

Gene: POLE (DNA polymerase epsilon, catalytic subunit; minus strand). Cytogenetic location: 12q24.33.
Variant type: single nucleotide variant.
Coding change: c.1330A>C on transcript NM_006231.4 (MANE Select); coding-DNA position 1330, A replaced by C.
Protein change: p.Met444Leu; replaces methionine 444 with leucine.
Molecular consequence: missense variant.
Genome position (GRCh38, 1-based): chr12:132,673,604, T>G on the plus strand (A>C on the coding strand, the complement: POLE is on the minus strand). VCF-style: chr12-132673604-T-G. GRCh37 (hg19) VCF-style: chr12-133250190-T-G.
Other names: c.1330A>C (NM_006231.2); short protein forms M444L.
Identifiers: ClinVar variation 2752445 (VCV002752445.4), dbSNP rs546871889, ClinGen allele CA387359235.

ClinVar aggregate classification (germline): Uncertain significance. Review status: criteria provided, multiple submitters, no conflicts (2 of 4 stars). 2 submissions from 2 submitters: Uncertain significance (2). Last evaluated 2024-04-29.

Conditions:
Hereditary cancer-predisposing syndrome. Also called: Neoplastic Syndromes, Hereditary; Hereditary Cancer Syndrome; Tumor predisposition; Hereditary neoplastic syndrome. Identifiers: Orphanet 140162, MedGen C0027672, MeSH D009386, MONDO:0015356.

Submissions (2):

Ambry Genetics
Classification: Uncertain significance for Hereditary cancer-predisposing syndrome. Last evaluated: 2024-04-29. Review status: criteria provided, single submitter. Criteria: Ambry Variant Classification Scheme 2023. Collection method: clinical testing. Allele origin: germline.
Comment: The p.M444L variant (also known as c.1330A>C), located in coding exon 13 of the POLE gene, results from an A to C substitution at nucleotide position 1330. The methionine at codon 444 is replaced by leucine, an amino acid with highly similar properties. This amino acid position is highly conserved in available vertebrate species. In addition, the in silico prediction for this alteration is inconclusive. Based on the available evidence, the clinical significance of this variant remains unclear.

Labcorp Genetics (formerly Invitae), Labcorp
Classification: Uncertain significance. Last evaluated: 2023-05-31. Review status: criteria provided, single submitter. Criteria: Invitae Variant Classification Sherloc (09022015). Collection method: clinical testing. Allele origin: germline.
Comment: In summary, the available evidence is currently insufficient to determine the role of this variant in disease. Therefore, it has been classified as a Variant of Uncertain Significance. Advanced modeling of protein sequence and biophysical properties (such as structural, functional, and spatial information, amino acid conservation, physicochemical variation, residue mobility, and thermodynamic stability) has been performed at Invitae for this missense variant, however the output from this modeling did not meet the statistical confidence thresholds required to predict the impact of this variant on POLE protein function. This variant has not been reported in the literature in individuals affected with POLE-related conditions. This variant is not present in population databases (gnomAD no frequency). This sequence change replaces methionine, which is neutral and non-polar, with leucine, which is neutral and non-polar, at codon 444 of the POLE protein (p.Met444Leu).